The following is an entry in ClinVar:

NM_001113491.2(SEPTIN9):c.1386C>T (p.Thr462=)

Gene: SEPTIN9 (septin 9; plus strand). Cytogenetic location: 17q25.3.
Variant type: single nucleotide variant.
Coding change: c.1386C>T on transcript NM_001113491.2 (MANE Select); coding-DNA position 1386, C replaced by T.
Protein change: p.Thr462=; no amino-acid change (threonine 462 retained).
Molecular consequence: synonymous variant.
Genome position (GRCh38, 1-based): chr17:77,492,626, C>T. VCF-style: chr17-77492626-C-T. GRCh37 (hg19) VCF-style: chr17-75488708-C-T.
Other names: c.894C>T, p.Thr298= (NM_001113492.2, NM_001113494.1); c.1365C>T, p.Thr455= (NM_001113493.2); c.633C>T, p.Thr211= (NM_001113495.2, NM_001113496.2, NM_001293697.2 and 1 more transcripts); c.1329C>T, p.Thr443= (NM_001293695.2); c.714C>T, p.Thr238= (NM_001293696.2); c.1332C>T, p.Thr444= (NM_006640.5).
Identifiers: ClinVar variation 891336 (VCV000891336.6), dbSNP rs377093783, ClinGen allele CA8793784.

ClinVar aggregate classification (germline): Benign/Likely benign. Review status: criteria provided, multiple submitters, no conflicts (2 of 4 stars). 2 submissions from 2 submitters: Benign (1); Likely benign (1). Last evaluated 2025-12-02.

Conditions:
Amyotrophic neuralgia (HNA). Also called: Hereditary Brachial Plexus Neuropathy; Neuritis with Brachial Predilection; AMYOTROPHY, HEREDITARY NEURALGIC, WITH PREDILECTION FOR BRACHIAL PLEXUS; AMYOTROPHY, HEREDITARY NEURALGIC. Identifiers: Orphanet 2901, MedGen C1834304, MONDO:0008076, OMIM 162100.

Allele frequency attached by ClinVar (database versions not stated): TOPMed 0.00002; ExAC 0.00003; gnomAD 0.00001.
gnomAD v4.1: 27 of 1,613,854 alleles (0.0017%); highest among the groups gnomAD compares: Middle Eastern, 0.066%; 1 homozygote.

Submissions (2):

Labcorp Genetics (formerly Invitae), Labcorp
Classification: Likely benign. Last evaluated: 2025-12-02. Review status: criteria provided, single submitter. Criteria: Invitae Variant Classification Sherloc (09022015). Collection method: clinical testing. Allele origin: germline.

Illumina Laboratory Services, Illumina
Classification: Benign for Amyotrophy, hereditary neuralgic. Last evaluated: 2018-01-13. Review status: criteria provided, single submitter. Criteria: ICSL Variant Classification Criteria 13 December 2019. Collection method: clinical testing. Allele origin: germline.
Comment: This variant was observed in the ICSL laboratory as part of a predisposition screen in an ostensibly healthy population. It had not been previously curated by ICSL or reported in the Human Gene Mutation Database (HGMD: prior to June 1st, 2018), and was therefore a candidate for classification through an automated scoring system. Utilizing variant allele frequency, disease prevalence and penetrance estimates, and inheritance mode, an automated score was calculated to assess if this variant is too frequent to cause the disease. Based on the score and internal cut-off values, a variant classified as benign is not then subjected to further curation. The score for this variant resulted in a classification of benign for this disease.